The following is an entry in ClinVar:

ClinVar aggregate classification (germline): Uncertain significance (1 of 4 stars; one submission).

Conditions:
Charcot-Marie-Tooth disease type 4. Also called: Charcot-Marie-Tooth disease, type IV; Charcot-Marie-Tooth, Type 4. Identifiers: Orphanet 64749, MedGen C4082197, MONDO:0018995.

Allele frequency attached by ClinVar (database versions not stated): gnomAD exomes below 0.00001; TOPMed below 0.00001.
gnomAD v4.1: 6 of 1,614,110 alleles (0.00037%); highest among the groups gnomAD compares: East Asian, 0.0022%; no homozygotes.

Submission:

Labcorp Genetics (formerly Invitae), Labcorp
Classification: Uncertain significance for Charcot-Marie-Tooth disease type 4. Last evaluated: 2022-05-28. Review status: criteria provided, single submitter. Criteria: Invitae Variant Classification Sherloc (09022015). Collection method: clinical testing. Allele origin: germline.
Comment: This sequence change replaces glutamic acid, which is acidic and polar, with glycine, which is neutral and non-polar, at codon 84 of the NDRG1 protein (p.Glu84Gly). This variant is present in population databases (no rsID available, gnomAD 0.0009%). This variant has not been reported in the literature in individuals affected with NDRG1-related conditions. ClinVar contains an entry for this variant (Variation ID: 658200). Algorithms developed to predict the effect of missense changes on protein structure and function are either unavailable or do not agree on the potential impact of this missense change (SIFT: "Deleterious"; PolyPhen-2: "Probably Damaging"; Align-GVGD: "Class C0"). In summary, the available evidence is currently insufficient to determine the role of this variant in disease. Therefore, it has been classified as a Variant of Uncertain Significance.

NM_006096.4(NDRG1):c.251A>G (p.Glu84Gly)

Gene: NDRG1 (N-myc downstream regulated 1; minus strand). Cytogenetic location: 8q24.22.
Variant type: single nucleotide variant.
Coding change: c.251A>G on transcript NM_006096.4 (MANE Select); coding-DNA position 251, A replaced by G.
Protein change: p.Glu84Gly; replaces glutamic acid 84 with glycine.
Molecular consequence: missense variant.
Genome position (GRCh38, 1-based): chr8:133,262,122, T>C on the plus strand (A>G on the coding strand, the complement: NDRG1 is on the minus strand). VCF-style: chr8-133262122-T-C. GRCh37 (hg19) VCF-style: chr8-134274365-T-C.
Other names: c.251A>G, p.Glu84Gly (NM_001135242.2, NM_001374844.1, NM_001374845.1 and 1 more transcripts); c.53A>G, p.Glu18Gly (NM_001258432.2, NM_001374847.1); c.8A>G, p.Glu3Gly (NM_001258433.2); short protein forms E3G, E84G, E18G.
Identifiers: ClinVar variation 658200 (VCV000658200.5), dbSNP rs1372913345, ClinGen allele CA372256297.